The following is an entry in ClinVar:

NM_001039.4(SCNN1G):c.1082A>T (p.Glu361Val)

Gene: SCNN1G (sodium channel epithelial 1 subunit gamma; plus strand). Cytogenetic location: 16p12.2.
Variant type: single nucleotide variant.
Coding change: c.1082A>T on transcript NM_001039.4 (MANE Select); coding-DNA position 1082, A replaced by T.
Protein change: p.Glu361Val; replaces glutamic acid 361 with valine.
Molecular consequence: missense variant.
Genome position (GRCh38, 1-based): chr16:23,209,754, A>T. VCF-style: chr16-23209754-A-T. GRCh37 (hg19) VCF-style: chr16-23221075-A-T.
Other names: c.1082A>T (NM_001039.3); short protein forms E361V.
Identifiers: ClinVar variation 2435777 (VCV002435777.8), dbSNP rs201308208, ClinGen allele CA7959775.

ClinVar aggregate classification (germline): Uncertain significance. Review status: criteria provided, multiple submitters, no conflicts (2 of 4 stars). 4 submissions from 4 submitters: Uncertain significance (4). Last evaluated 2026-03-03.

Conditions:
Liddle syndrome 2. Identifiers: MedGen C4748251, MONDO:0020854, OMIM 618114.
Bronchiectasis with or without elevated sweat chloride 3 (BESC3). Identifiers: Orphanet 60033, MedGen C2751324, MONDO:0013112, OMIM 613071.
Pseudohypoaldosteronism, type IB3, autosomal recessive (PHA1B3). Identifiers: MedGen C5774256, MONDO:0859318, OMIM 620126.

Allele frequency attached by ClinVar (database versions not stated): gnomAD 0.00004; TOPMed 0.00009; ExAC 0.00015; 1000 Genomes Project 0.00020; 1000 Genomes Project 30x 0.00031.
gnomAD v4.1: 66 of 1,612,728 alleles (0.0041%); highest among the groups gnomAD compares: Admixed American, 0.1%; no homozygotes.

Submissions (4):

GeneDx
Classification: Uncertain significance. Last evaluated: 2026-03-03. Review status: criteria provided, single submitter. Criteria: GeneDx Variant Classification Process June 2021. Collection method: clinical testing. Allele origin: germline.
Comment: In silico analysis suggests that this missense variant does not alter protein structure/function; Has not been previously published as pathogenic or benign to our knowledge

Labcorp Genetics (formerly Invitae), Labcorp
Classification: Uncertain significance. Last evaluated: 2024-06-08. Review status: criteria provided, single submitter. Criteria: Invitae Variant Classification Sherloc (09022015). Collection method: clinical testing. Allele origin: germline.
Comment: This sequence change replaces glutamic acid, which is acidic and polar, with valine, which is neutral and non-polar, at codon 361 of the SCNN1G protein (p.Glu361Val). This variant is present in population databases (rs201308208, gnomAD 0.1%). This variant has not been reported in the literature in individuals affected with SCNN1G-related conditions. ClinVar contains an entry for this variant (Variation ID: 2435777). Advanced modeling of protein sequence and biophysical properties (such as structural, functional, and spatial information, amino acid conservation, physicochemical variation, residue mobility, and thermodynamic stability) performed at Invitae indicates that this missense variant is not expected to disrupt SCNN1G protein function with a negative predictive value of 80%. In summary, the available evidence is currently insufficient to determine the role of this variant in disease. Therefore, it has been classified as a Variant of Uncertain Significance.

Fulgent Genetics
Classification: Uncertain significance for Bronchiectasis with or without elevated sweat chloride 3; Liddle syndrome 2; Pseudohypoaldosteronism, type IB3, autosomal recessive. Last evaluated: 2024-04-24. Review status: criteria provided, single submitter. Criteria: ACMG Guidelines, 2015. Collection method: clinical testing. Allele origin: germline.

Revvity Omics, Revvity
Classification: Uncertain significance. Last evaluated: 2021-01-25. Review status: criteria provided, single submitter. Criteria: ACMG Guidelines, 2015. Collection method: clinical testing. Allele origin: germline.